The following is an entry in ClinVar:

ClinVar aggregate classification (germline): Pathogenic (1 of 4 stars; one submission).

Submission:

Labcorp Genetics (formerly Invitae), Labcorp
Classification: Pathogenic. Last evaluated: 2024-02-24. Review status: criteria provided, single submitter. Criteria: Invitae Variant Classification Sherloc (09022015). Collection method: clinical testing. Allele origin: germline.
Comment: This sequence change creates a premature translational stop signal (p.Val1165*) in the USH2A gene. It is expected to result in an absent or disrupted protein product. Loss-of-function variants in USH2A are known to be pathogenic (PMID: 10729113, 10909849, 20507924, 25649381). This variant is not present in population databases (gnomAD no frequency). This variant has not been reported in the literature in individuals affected with USH2A-related conditions. ClinVar contains an entry for this variant (Variation ID: 966065). For these reasons, this variant has been classified as Pathogenic.

Literature cited by the submitters: PubMed 10729113; PubMed 10909849; PubMed 20507924; PubMed 25649381.

NM_206933.4(USH2A):c.3493del (p.Ser1164_Val1165insTer)

Genes: USH2A (usherin; minus strand), USH2A-AS1 (USH2A antisense RNA 1; plus strand). Cytogenetic location: 1q41.
Variant type: Deletion.
Coding change: c.3493del on transcript NM_206933.4 (MANE Select); coding-DNA position 3493, one base deleted (G; older notation c.3493delG).
Protein change: p.Ser1164_Val1165insTer.
Molecular consequence: nonsense.
Genome position (GRCh38, 1-based): chr1:216,199,945, C deleted on the plus strand (G on the coding strand, the reverse complement: USH2A is on the minus strand). VCF-style (leftmost placement, unchanged base first): chr1-216199944-AC-A. GRCh37 (hg19) VCF-style: chr1-216373286-AC-A.
Other names: c.3493del, p.Ser1164_Val1165insTer (NM_007123.6).
Identifiers: ClinVar variation 966065 (VCV000966065.7), dbSNP rs2034944843, ClinGen allele CA1139656577.